The following is an entry in ClinVar:

ClinVar aggregate classification (germline): Likely benign (1 of 4 stars; one submission).

Allele frequency attached by ClinVar (database versions not stated): 1000 Genomes Project 30x 0.00078; 1000 Genomes Project 0.00100; TOPMed 0.00147; ESP Exome Variant Server 0.00185; gnomAD 0.00235; ExAC 0.00240.
gnomAD v4.1: 3,793 of 1,613,626 alleles (0.24%); highest among the groups gnomAD compares: Non-Finnish European, 0.26%; 14 homozygotes.

Submission:

CeGaT Center for Human Genetics Tuebingen
Classification: Likely benign. Last evaluated: 2022-11-01. Review status: criteria provided, single submitter. Criteria: CeGaT Center For Human Genetics Tuebingen Variant Classification Criteria Version 2. Collection method: clinical testing. Allele origin: germline. Affected: yes. Observed: 1 variant allele.
Comment: EPHA8: BP4, BS2

NM_020526.5(EPHA8):c.1765+7G>T

Gene: EPHA8 (EPH receptor A8; plus strand). Cytogenetic location: 1p36.12.
Variant type: single nucleotide variant.
Coding change: c.1765+7G>T on transcript NM_020526.5 (MANE Select); 7 bases into the intron after coding-DNA position 1765, G replaced by T.
Molecular consequence: intron variant.
Genome position (GRCh38, 1-based): chr1:22,596,180, G>T. VCF-style: chr1-22596180-G-T. GRCh37 (hg19) VCF-style: chr1-22922673-G-T.
Identifiers: ClinVar variation 2638468 (VCV002638468.24), dbSNP rs146789326, ClinGen allele CA677099.